The following is an entry in ClinVar:

NM_015164.4(PLEKHM2):c.1976A>G (p.Asp659Gly)

Gene: PLEKHM2 (pleckstrin homology and RUN domain containing M2; plus strand). Cytogenetic location: 1p36.21.
Variant type: single nucleotide variant.
Coding change: c.1976A>G on transcript NM_015164.4 (MANE Select); coding-DNA position 1976, A replaced by G.
Protein change: p.Asp659Gly; replaces aspartic acid 659 with glycine.
Molecular consequence: missense variant.
Genome position (GRCh38, 1-based): chr1:15,728,723, A>G. VCF-style: chr1-15728723-A-G. GRCh37 (hg19) VCF-style: chr1-16055218-A-G.
Other names: short protein forms D659G.
Identifiers: ClinVar variation 941411 (VCV000941411.9), dbSNP rs775027447, ClinGen allele CA617092.

ClinVar aggregate classification (germline): Uncertain significance (1 of 4 stars; one submission).

Allele frequency attached by ClinVar (database versions not stated): gnomAD exomes 0.00002; TOPMed 0.00002; ExAC 0.00003; gnomAD 0.00003.
gnomAD v4.1: 53 of 1,609,726 alleles (0.0033%); highest among the groups gnomAD compares: Non-Finnish European, 0.0042%; no homozygotes.

Submission:

Labcorp Genetics (formerly Invitae), Labcorp
Classification: Uncertain significance. Last evaluated: 2025-12-08. Review status: criteria provided, single submitter. Criteria: Invitae Variant Classification Sherloc (09022015). Collection method: clinical testing. Allele origin: germline.
Comment: This sequence change replaces aspartic acid, which is acidic and polar, with glycine, which is neutral and non-polar, at codon 659 of the PLEKHM2 protein (p.Asp659Gly). This variant is present in population databases (rs775027447, gnomAD 0.005%). This variant has not been reported in the literature in individuals affected with PLEKHM2-related conditions. ClinVar contains an entry for this variant (Variation ID: 941411). An algorithm developed to predict the effect of missense changes on protein structure and function (PolyPhen-2) suggests that this variant is likely to be disruptive. In summary, the available evidence is currently insufficient to determine the role of this variant in disease. Therefore, it has been classified as a Variant of Uncertain Significance.